The following is an entry in ClinVar:

NC_000007.14:g.156779521T>C

Genes: LMBR1 (limb development membrane protein 1; minus strand), SHH (sonic hedgehog signaling molecule; minus strand). Cytogenetic location: 7q36.3.
Variant type: single nucleotide variant.
Molecular consequence: intron variant (on NM_022458.4).
Genome position: GRCh38 VCF-style: chr7-156779521-T-C. GRCh37 (hg19) VCF-style: chr7-156572215-T-C.
Other names: c.361-15726A>G (NM_001363412.2); c.145-15726A>G (NM_001350954.2); c.424-15726A>G (NM_001363410.2, NM_022458.4, NM_001363409.2 and 1 more transcripts); c.-34+134A>G (NM_001350958.2, NM_001350956.2, NM_001350955.2 and 1 more transcripts); c.55-15726A>G (NM_001350957.2, NM_001363411.2).
Identifiers: ClinVar variation 2872090 (VCV002872090.3), dbSNP rs1260693802, ClinGen allele CA835798608.

ClinVar aggregate classification (germline): Uncertain significance (1 of 4 stars; one submission).

Conditions:
Holoprosencephaly 3 (HPE3). Identifiers: Orphanet 2162, MedGen C1840529, MONDO:0007733, OMIM 142945.

Allele frequency attached by ClinVar (database versions not stated): gnomAD 0.00003; TOPMed 0.00006.
gnomAD v4.1: 8 of 246,386 alleles (0.0032%); highest among the groups gnomAD compares: Non-Finnish European, 0.005%; no homozygotes.

Submission:

Labcorp Genetics (formerly Invitae), Labcorp
Classification: Uncertain significance for Holoprosencephaly 3. Last evaluated: 2023-03-13. Review status: criteria provided, single submitter. Criteria: Invitae Variant Classification Sherloc (09022015). Collection method: clinical testing. Allele origin: germline.
Comment: In summary, the available evidence is currently insufficient to determine the role of this variant in disease. Therefore, it has been classified as a Variant of Uncertain Significance. Experimental studies and prediction algorithms are not available or were not evaluated, and the effect of this variant on mRNA splicing is currently unknown. This variant has not been reported in the literature in individuals affected with SHH-related conditions. This variant is not present in population databases (gnomAD no frequency). This variant occurs in a non-coding region of the SHH gene. It does not change the encoded amino acid sequence of the SHH protein.